The following is an entry in ClinVar:

ClinVar aggregate classification (germline): Uncertain significance (1 of 4 stars; one submission).

gnomAD v4.1: 5 of 1,614,052 alleles (0.00031%); highest among the groups gnomAD compares: Admixed American, 0.0017%; no homozygotes.

Submission:

Labcorp Genetics (formerly Invitae), Labcorp
Classification: Uncertain significance. Last evaluated: 2026-01-01. Review status: criteria provided, single submitter. Criteria: Invitae Variant Classification Sherloc (09022015). Collection method: clinical testing. Allele origin: germline.
Comment: This sequence change replaces lysine, which is basic and polar, with arginine, which is basic and polar, at codon 1381 of the C3 protein (p.Lys1381Arg). This variant is present in population databases (no rsID available, gnomAD 0.003%). This variant has not been reported in the literature in individuals affected with C3-related conditions. Invitae Evidence Modeling of protein sequence and biophysical properties (such as structural, functional, and spatial information, amino acid conservation, physicochemical variation, residue mobility, and thermodynamic stability) indicates that this missense variant is not expected to disrupt C3 protein function with a negative predictive value of 80%. In summary, the available evidence is currently insufficient to determine the role of this variant in disease. Therefore, it has been classified as a Variant of Uncertain Significance.

NM_000064.4(C3):c.4142A>G (p.Lys1381Arg)

Gene: C3 (complement C3; minus strand). Cytogenetic location: 19p13.3.
Variant type: single nucleotide variant.
Coding change: c.4142A>G on transcript NM_000064.4 (MANE Select); coding-DNA position 4142, A replaced by G.
Protein change: p.Lys1381Arg; replaces lysine 1381 with arginine.
Molecular consequence: missense variant.
Genome position (GRCh38, 1-based): chr19:6,684,418, T>C on the plus strand (A>G on the coding strand, the complement: C3 is on the minus strand). VCF-style: chr19-6684418-T-C. GRCh37 (hg19) VCF-style: chr19-6684429-T-C.
Other names: short protein forms K1381R.
Identifiers: ClinVar variation 4744367 (VCV004744367.1).
Genomic context (GRCh38, chr19:6,684,418, plus strand): 5'-AAGATGAACCCCGGTGACCTAGCTTCTTACCTGGTACAGATCTCAAGGATCATAGTGTTC[T>C]TGGCATCCTGAGGCCTCTTTTCTAGAAACACAGAAGAGAGAAAGATGGGAGAGGGTATAC-3'
Protein context (NP_000055.2, residues 1371-1391): PETEKRPQDA[Lys1381Arg]NTMILEICTR